The following is an entry in ClinVar:

NM_001267550.2(TTN):c.95305G>A (p.Val31769Ile)

Genes: TTN (titin; minus strand), TTN-AS1 (TTN antisense RNA 1; plus strand). Cytogenetic location: 2q31.2.
Variant type: single nucleotide variant.
Coding change: c.95305G>A on transcript NM_001267550.2 (MANE Select); coding-DNA position 95305, G replaced by A.
Protein change: p.Val31769Ile; replaces valine 31769 with isoleucine.
Molecular consequence: missense variant.
Genome position (GRCh38, 1-based): chr2:178,545,931, C>T on the plus strand (G>A on the coding strand, the complement: TTN is on the minus strand). VCF-style: chr2-178545931-C-T. GRCh37 (hg19) VCF-style: chr2-179410658-C-T.
Other names: c.90382G>A, p.Val30128Ile (NM_001256850.1); c.68110G>A, p.Val22704Ile (NM_003319.4); c.87601G>A, p.Val29201Ile (NM_133378.4); c.68485G>A, p.Val22829Ile (NM_133432.3); c.68686G>A, p.Val22896Ile (NM_133437.4); short protein forms V29201I, V31769I, V22704I, V22829I, V22896I, V30128I.
Identifiers: ClinVar variation 263493 (VCV000263493.6), dbSNP rs374445709, ClinGen allele CA1986974.
Genomic context (GRCh38, chr2:178,545,931, plus strand): 5'-CATATTTGTTTACTGCCCTCACTCGGAATATGTACTCATTGTTCTTGATGAGCCTGGTAA[C>T]GACATAGGATAGGGTTGGGCATTCGCCTTCAACAATCACCCAGTTGAGCCTGCTAGTCTC-3'
Protein context (NP_001254479.2, residues 31759-31779): EGECPTLSYV[Val31769Ile]TRLIKNNEYI

ClinVar aggregate classification (germline): Uncertain significance. Review status: criteria provided, multiple submitters, no conflicts (2 of 4 stars). 3 submissions from 3 submitters: Uncertain significance (3). Last evaluated 2025-12-30.

Conditions:
Cardiovascular phenotype. Identifiers: MedGen CN230736.
TTN-related disorder. Also called: TTN-related condition; TTN-related disease; TTN-related disorders.
Autosomal recessive limb-girdle muscular dystrophy type 2J (LGMDR10). Also called: MUSCULAR DYSTROPHY, LIMB-GIRDLE, AUTOSOMAL RECESSIVE 10; Limb-girdle muscular dystrophy, type 2J. Identifiers: Orphanet 140922, MedGen C1837342, MONDO:0012127, OMIM 608807.
Dilated cardiomyopathy 1G (CMD1G). Identifiers: Orphanet 154, MedGen C1858763, MONDO:0011400, OMIM 604145.

Allele frequency attached by ClinVar (database versions not stated): ExAC 0.00003; TOPMed 0.00003; gnomAD exomes 0.00004; gnomAD 0.00005 and 0.00006; ESP Exome Variant Server 0.00016.
gnomAD v4.1: 28 of 1,613,708 alleles (0.0017%); highest among the groups gnomAD compares: East Asian, 0.0089%; no homozygotes.

Submissions (3):

PreventionGenetics, part of Exact Sciences
Classification: Uncertain significance for TTN-related condition. Last evaluated: 2025-12-30. Review status: criteria provided, single submitter. Criteria: ACMG Guidelines, 2015. Collection method: clinical testing. Allele origin: germline.
Comment: The TTN c.95305G>A variant is predicted to result in the amino acid substitution p.Val31769Ile. To our knowledge, this variant has not been reported in the literature. This variant is reported in 0.021% of alleles in individuals of East Asian descent in gnomAD. At this time, the clinical significance of this variant is uncertain due to the absence of conclusive functional and genetic evidence.

Labcorp Genetics (formerly Invitae), Labcorp
Classification: Uncertain significance for Dilated cardiomyopathy 1G; Autosomal recessive limb-girdle muscular dystrophy type 2J. Last evaluated: 2016-11-14. Review status: criteria provided, single submitter. Criteria: Invitae Variant Classification Sherloc (09022015). Collection method: clinical testing. Allele origin: germline.

Ambry Genetics
Classification: Uncertain significance for Cardiovascular phenotype. Last evaluated: 2013-01-29. Review status: criteria provided, single submitter. Criteria: Ambry Autosomal Dominant and X-Linked criteria (10/2015). Collection method: clinical testing. Allele origin: germline. Observed: 1 variant allele.
Comment: There is insufficient or conflicting evidence for classification of this alteration.